The following is an entry in ClinVar:

NM_000038.6(APC):c.8087A>T (p.Asp2696Val)

Gene: APC (APC regulator of Wnt signaling pathway; plus strand). Cytogenetic location: 5q22.2.
Variant type: single nucleotide variant.
Coding change: c.8087A>T on transcript NM_000038.6 (MANE Select); coding-DNA position 8087, A replaced by T.
Protein change: p.Asp2696Val; replaces aspartic acid 2696 with valine.
Molecular consequence: missense variant.
Genome position (GRCh38, 1-based): chr5:112,843,681, A>T. VCF-style: chr5-112843681-A-T. GRCh37 (hg19) VCF-style: chr5-112179378-A-T.
Other names: c.8087A>T, p.Asp2696Val (NM_001127510.3, NM_001354895.2); c.8033A>T, p.Asp2678Val (NM_001127511.3); c.8141A>T, p.Asp2714Val (NM_001354896.2); c.8117A>T, p.Asp2706Val (NM_001354897.2); c.8012A>T, p.Asp2671Val (NM_001354898.2); c.8003A>T, p.Asp2668Val (NM_001354899.2); c.7964A>T, p.Asp2655Val (NM_001354900.2); c.7910A>T, p.Asp2637Val (NM_001354901.2); and 5 more; short protein forms D2413V, D2536V, D2570V, D2595V, D2605V, D2637V, D2655V, D2668V.
Identifiers: ClinVar variation 1017934 (VCV001017934.10), dbSNP rs968968331, ClinGen allele CA16038893.

ClinVar aggregate classification (germline): Uncertain significance (1 of 4 stars; one submission).

Conditions:
Familial adenomatous polyposis 1 (FAP1). Also called: POLYPOSIS, ADENOMATOUS INTESTINAL; FAMILIAL ADENOMATOUS POLYPOSIS 1, ATTENUATED. Identifiers: MedGen C2713442, MONDO:0021056, OMIM 175100. Disease mechanism: loss of function.

Allele frequency attached by ClinVar (database versions not stated): gnomAD exomes below 0.00001.
gnomAD v4.1: 1 of 1,614,078 alleles (0.000062%); highest among the groups gnomAD compares: Non-Finnish European, 0.000085%; no homozygotes.

Submission:

Labcorp Genetics (formerly Invitae), Labcorp
Classification: Uncertain significance for Familial adenomatous polyposis 1. Last evaluated: 2024-11-18. Review status: criteria provided, single submitter. Criteria: Invitae Variant Classification Sherloc (09022015). Collection method: clinical testing. Allele origin: germline.
Comment: This sequence change replaces aspartic acid, which is acidic and polar, with valine, which is neutral and non-polar, at codon 2696 of the APC protein (p.Asp2696Val). This variant is not present in population databases (gnomAD no frequency). This variant has not been reported in the literature in individuals affected with APC-related conditions. ClinVar contains an entry for this variant (Variation ID: 1017934). Invitae Evidence Modeling of protein sequence and biophysical properties (such as structural, functional, and spatial information, amino acid conservation, physicochemical variation, residue mobility, and thermodynamic stability) indicates that this missense variant is not expected to disrupt APC protein function with a negative predictive value of 95%. In summary, the available evidence is currently insufficient to determine the role of this variant in disease. Therefore, it has been classified as a Variant of Uncertain Significance.